The following is an entry in ClinVar:

ClinVar aggregate classification (germline): Pathogenic/Likely pathogenic. Review status: criteria provided, multiple submitters, no conflicts (2 of 4 stars). 3 submissions from 3 submitters: Pathogenic (1); Likely pathogenic (2). Last evaluated 2024-02-28.

Conditions:
Sanfilippo syndrome. Also called: Mucopolysaccharidosis type 3; Mucopolysaccharidosis Type III; Sanfilippo disease. Identifiers: Orphanet 581, MedGen C0026706, MONDO:0018937.
Mucopolysaccharidosis, MPS-III-D (MPS3D). Also called: N-ACETYLGLUCOSAMINE-6-SULFATASE DEFICIENCY; SANFILIPPO SYNDROME D; MPS III D; Mucopoly-saccharidosis type 3D; N-acetylglucosamine-6-sulfate sulfatase deficiency; MPS 3D. Identifiers: Orphanet 581, Orphanet 79272, MedGen C0086650, MONDO:0009658, OMIM 252940.

Submissions (3):

Natera, Inc.
Classification: Likely pathogenic for Sanfilippo disease. Last evaluated: 2024-02-28. Review status: criteria provided, single submitter. Criteria: Natera Variant Classification Schema (03/2026). Collection method: clinical testing. Allele origin: germline.
Comment: The c.257_258delTG variant in GNS is a frameshift variant predicted to shift the reading frame beginning at codon 86 and leads to a stop codon 20 codons downstream. This variant is expected to result in nonsense mediated decay, truncation, or a dysfunctional protein product. This variant is rare in the general population with a frequency below the threshold expected for the associated phenotype(s). Given the available evidence, this variant is classified as Likely Pathogenic.

Fulgent Genetics
Classification: Likely pathogenic for Mucopolysaccharidosis, MPS-III-D. Last evaluated: 2024-02-02. Review status: criteria provided, single submitter. Criteria: ACMG Guidelines, 2015. Collection method: clinical testing. Allele origin: germline.

Labcorp Genetics (formerly Invitae), Labcorp
Classification: Pathogenic for Mucopolysaccharidosis, MPS-III-D. Last evaluated: 2022-12-31. Review status: criteria provided, single submitter. Criteria: Invitae Variant Classification Sherloc (09022015). Collection method: clinical testing. Allele origin: germline.
Comment: For these reasons, this variant has been classified as Pathogenic. This variant has not been reported in the literature in individuals affected with GNS-related conditions. This variant is not present in population databases (gnomAD no frequency). This sequence change creates a premature translational stop signal (p.Val86Alafs*20) in the GNS gene. It is expected to result in an absent or disrupted protein product. Loss-of-function variants in GNS are known to be pathogenic (PMID: 20232353).

Literature cited by the submitters: PubMed 20232353 (cited by Labcorp Genetics (formerly Invitae), Labcorp).

NM_002076.4(GNS):c.257_258del (p.Val86fs)

Gene: GNS (glucosamine (N-acetyl)-6-sulfatase; minus strand). Cytogenetic location: 12q14.3.
Variant type: Microsatellite.
Coding change: c.257_258del on transcript NM_002076.4 (MANE Select); coding-DNA positions 257 to 258, 2 bases deleted (TG; older notation c.257_258delTG).
Protein change: p.Val86fs; shifts the reading frame from valine 86.
Molecular consequence: frameshift variant.
Genome position (GRCh38, 1-based): chr12:64,747,913-64,747,914, CA deleted on the plus strand (TG on the coding strand, the reverse complement: GNS is on the minus strand); deleting any 2 consecutive bases within chr12:64,747,913-64,747,916 gives the same sequence; the c. name uses the placement nearest the transcript's 3' end. VCF-style (leftmost placement, unchanged base first): chr12-64747912-GCA-G. GRCh37 (hg19) VCF-style: chr12-65141692-GCA-G.
Other names: c.257_258delTG (NM_002076.3); short protein forms V86fs.
Identifiers: ClinVar variation 1936254 (VCV001936254.7), dbSNP rs1355457071, ClinGen allele CA690950512.
Genomic context (GRCh38, chr12:64,747,912, plus strand): 5'-GATTATGTGGGTACTTTCCTGTCAGGATACTGGCTCTGCTGGGGCAGCAGAGAGCACTTG[GCA>G]CATACTACAAAGGAAAGGAAGCAAAAACGACAAAGTCACACAAGAAAGATGGACTTCTCA-3'